The following is an entry in ClinVar:

NM_001166108.2(PALLD):c.346C>G (p.Pro116Ala)

Gene: PALLD (palladin, cytoskeletal associated protein; plus strand). Cytogenetic location: 4q32.3.
Variant type: single nucleotide variant.
Coding change: c.346C>G on transcript NM_001166108.2 (MANE Select); coding-DNA position 346, C replaced by G.
Protein change: p.Pro116Ala; replaces proline 116 with alanine.
Molecular consequence: missense variant.
Genome position (GRCh38, 1-based): chr4:168,511,850, C>G. VCF-style: chr4-168511850-C-G. GRCh37 (hg19) VCF-style: chr4-169433001-C-G.
Other names: c.346C>G, p.Pro116Ala (NM_016081.4); short protein forms P116A.
Identifiers: ClinVar variation 3226808 (VCV003226808.1), dbSNP rs2531431015, ClinGen allele CA358725488.
Genomic context (GRCh38, chr4:168,511,850, plus strand): 5'-GATAACAGGTCAACACCTGTCCAGCCTCTGGCAGAGAAACAAACTAAGAGTATCTCTTCA[C>G]CTGTTTCAAAGAGGAAACCTGCCATGTCACCCCTGCTCACCAGGCCCAGCTACATCCGGA-3'
Protein context (NP_001159580.1, residues 106-126): AEKQTKSISS[Pro116Ala]VSKRKPAMSP

ClinVar aggregate classification (germline): Uncertain significance (1 of 4 stars; one submission).

Submission:

Ambry Genetics
Classification: Uncertain significance. Last evaluated: 2023-11-23. Review status: criteria provided, single submitter. Criteria: Ambry Variant Classification Scheme 2023. Collection method: clinical testing. Allele origin: germline.
Comment: The p.P116A variant (also known as c.346C>G), located in coding exon 1 of the PALLD gene, results from a C to G substitution at nucleotide position 346. The proline at codon 116 is replaced by alanine, an amino acid with highly similar properties. This amino acid position is conserved. In addition, this alteration is predicted to be tolerated by in silico analysis. Since supporting evidence is limited at this time, the clinical significance of this alteration remains unclear.